The following is an entry in ClinVar:

ClinVar aggregate classification (germline): Uncertain significance (1 of 4 stars; one submission).

Allele frequency attached by ClinVar (database versions not stated): TOPMed 0.00001.
gnomAD v4.1: 1 of 1,614,036 alleles (0.000062%); highest among the groups gnomAD compares: African/African-American, 0.0013%; no homozygotes.

Submission:

Labcorp Genetics (formerly Invitae), Labcorp
Classification: Uncertain significance. Last evaluated: 2023-09-09. Review status: criteria provided, single submitter. Criteria: Invitae Variant Classification Sherloc (09022015). Collection method: clinical testing. Allele origin: germline.
Comment: Advanced modeling of protein sequence and biophysical properties (such as structural, functional, and spatial information, amino acid conservation, physicochemical variation, residue mobility, and thermodynamic stability) performed at Invitae indicates that this missense variant is not expected to disrupt MMP14 protein function. In summary, the available evidence is currently insufficient to determine the role of this variant in disease. Therefore, it has been classified as a Variant of Uncertain Significance. ClinVar contains an entry for this variant (Variation ID: 1976127). This variant has not been reported in the literature in individuals affected with MMP14-related conditions. This variant is not present in population databases (gnomAD no frequency). This sequence change replaces proline, which is neutral and non-polar, with threonine, which is neutral and polar, at codon 46 of the MMP14 protein (p.Pro46Thr).

NM_004995.4(MMP14):c.136C>A (p.Pro46Thr)

Gene: MMP14 (matrix metallopeptidase 14; plus strand). Cytogenetic location: 14q11.2.
Variant type: single nucleotide variant.
Coding change: c.136C>A on transcript NM_004995.4 (MANE Select); coding-DNA position 136, C replaced by A.
Protein change: p.Pro46Thr; replaces proline 46 with threonine.
Molecular consequence: missense variant.
Genome position (GRCh38, 1-based): chr14:22,841,518, C>A. VCF-style: chr14-22841518-C-A. GRCh37 (hg19) VCF-style: chr14-23310727-C-A.
Other names: short protein forms P46T.
Identifiers: ClinVar variation 1976127 (VCV001976127.5), dbSNP rs200095510, ClinGen allele CA388929096.